The following is an entry in ClinVar:

NM_015047.3(EMC1):c.1469C>T (p.Ser490Phe)

Genes: EMC1 (ER membrane protein complex subunit 1; minus strand), EMC1-AS1 (EMC1 antisense RNA 1; plus strand). Cytogenetic location: 1p36.13.
Variant type: single nucleotide variant.
Coding change: c.1469C>T on transcript NM_015047.3 (MANE Select); coding-DNA position 1469, C replaced by T.
Protein change: p.Ser490Phe; replaces serine 490 with phenylalanine.
Molecular consequence: missense variant.
Genome position (GRCh38, 1-based): chr1:19,233,099, G>A on the plus strand (C>T on the coding strand, the complement: EMC1 is on the minus strand). VCF-style: chr1-19233099-G-A. GRCh37 (hg19) VCF-style: chr1-19559593-G-A.
Other names: c.1466C>T, p.Ser489Phe (NM_001271427.2, NM_001271428.2); c.1403C>T, p.Ser468Phe (NM_001271429.2); c.1478C>T, p.Ser493Phe (NM_001375820.1); c.1475C>T, p.Ser492Phe (NM_001375821.1); short protein forms S490F, S468F, S493F, S489F, S492F.
Identifiers: ClinVar variation 1347175 (VCV001347175.8), dbSNP rs2151949875, ClinGen allele CA338763118.

ClinVar aggregate classification (germline): Uncertain significance (1 of 4 stars; one submission).

Submission:

Labcorp Genetics (formerly Invitae), Labcorp
Classification: Uncertain significance. Last evaluated: 2021-05-18. Review status: criteria provided, single submitter. Criteria: Invitae Variant Classification Sherloc (09022015). Collection method: clinical testing. Allele origin: germline.
Comment: Algorithms developed to predict the effect of missense changes on protein structure and function are either unavailable or do not agree on the potential impact of this missense change (SIFT: "Deleterious"; PolyPhen-2: "Possibly Damaging"; Align-GVGD: "Class C0"). This variant is not present in population databases (ExAC no frequency). This variant has not been reported in the literature in individuals with EMC1-related conditions. In summary, the available evidence is currently insufficient to determine the role of this variant in disease. Therefore, it has been classified as a Variant of Uncertain Significance. This sequence change replaces serine with phenylalanine at codon 490 of the EMC1 protein (p.Ser490Phe). The serine residue is highly conserved and there is a large physicochemical difference between serine and phenylalanine.